The following is an entry in ClinVar:

ClinVar aggregate classification (germline): Uncertain significance (1 of 4 stars; one submission).

Submission:

GeneDx
Classification: Uncertain significance. Last evaluated: 2025-03-13. Review status: criteria provided, single submitter. Criteria: GeneDx Variant Classification Process June 2021. Collection method: clinical testing. Allele origin: germline. Affected: yes.
Comment: Not observed at significant frequency in large population cohorts (gnomAD); In silico analysis supports a deleterious effect on splicing; Has not been previously published as pathogenic or benign to our knowledge

NM_033100.4(CDHR1):c.863-3C>A

Gene: CDHR1 (cadherin related family member 1; plus strand). Cytogenetic location: 10q23.1.
Variant type: single nucleotide variant.
Coding change: c.863-3C>A on transcript NM_033100.4 (MANE Select); 3 bases into the intron before coding-DNA position 863, C replaced by A.
Molecular consequence: intron variant.
Genome position (GRCh38, 1-based): chr10:84,205,824, C>A. VCF-style: chr10-84205824-C-A. GRCh37 (hg19) VCF-style: chr10-85965580-C-A.
Other names: c.863-3C>A (NM_001171971.3).
Identifiers: ClinVar variation 4082941 (VCV004082941.1).